The following is an entry in ClinVar:

ClinVar aggregate classification (germline): Uncertain significance (1 of 4 stars; one submission).

Conditions:
Inborn genetic diseases. Identifiers: MedGen C0950123, MeSH D030342.

gnomAD v4.1: 5 of 1,612,406 alleles (0.00031%); highest among the groups gnomAD compares: Non-Finnish European, 0.00042%; no homozygotes.

Submission:

Ambry Genetics
Classification: Uncertain significance for Inborn genetic diseases. Last evaluated: 2026-03-30. Review status: criteria provided, single submitter. Criteria: Ambry Variant Classification Scheme 2023. Collection method: clinical testing. Allele origin: germline.
Comment: The p.G100S variant (also known as c.298G>A), located in coding exon 4 of the RECQL4 gene, results from a G to A substitution at nucleotide position 298. The glycine at codon 100 is replaced by serine, an amino acid with similar properties. This amino acid position is conserved. In addition, this alteration is predicted to be tolerated by in silico analysis. Based on the available evidence, the clinical significance of this variant remains unclear.

NM_004260.4(RECQL4):c.298G>A (p.Gly100Ser)

Gene: RECQL4 (RecQ like helicase 4; minus strand). Cytogenetic location: 8q24.3.
Variant type: single nucleotide variant.
Coding change: c.298G>A on transcript NM_004260.4 (MANE Select); coding-DNA position 298, G replaced by A.
Protein change: p.Gly100Ser; replaces glycine 100 with serine.
Molecular consequence: missense variant. On other transcripts: 5 prime UTR variant (17), non-coding transcript variant (3).
Genome position (GRCh38, 1-based): chr8:144,517,106, C>T on the plus strand (G>A on the coding strand, the complement: RECQL4 is on the minus strand). VCF-style: chr8-144517106-C-T. GRCh37 (hg19) VCF-style: chr8-145742490-C-T.
Other names: c.-836G>A (NM_001413041.1, NM_001413031.1, NM_001413027.1 and 1 more transcripts); c.-774G>A (NM_001413042.1, NM_001413037.1, NM_001413038.1 and 3 more transcripts); c.-1043G>A (NM_001413043.1); c.-733G>A (NM_001413032.1); c.298G>A, p.Gly100Ser (NM_001413033.1, NM_001413036.1, NM_001413039.1 and 5 more transcripts); c.-678G>A (NM_001413034.1); c.-671G>A (NM_001413035.1, NM_001413024.1); c.-423G>A (NM_001413021.1); and 2 more; short protein forms G100S, G57S.
Identifiers: ClinVar variation 4863155 (VCV004863155.1).